The following is an entry in ClinVar:

ClinVar aggregate classification (germline): Pathogenic/Likely pathogenic. Review status: criteria provided, multiple submitters, no conflicts (2 of 4 stars). 2 submissions from 2 submitters: Pathogenic (1); Likely pathogenic (1). Last evaluated 2023-12-29.

Conditions:
RYR1-related disorder. Also called: RYR1-related condition; RYR1-related disorders. Identifiers: MedGen CN239331.

Submissions (2):

Labcorp Genetics (formerly Invitae), Labcorp
Classification: Pathogenic for RYR1-related disorder. Last evaluated: 2023-12-29. Review status: criteria provided, single submitter. Criteria: Invitae Variant Classification Sherloc (09022015). Collection method: clinical testing. Allele origin: germline.
Comment: This sequence change creates a premature translational stop signal (p.Trp1448*) in the RYR1 gene. It is expected to result in an absent or disrupted protein product. Loss-of-function variants in RYR1 are known to be pathogenic (PMID: 23919265, 25960145, 28818389, 30611313). This variant is not present in population databases (gnomAD no frequency). This variant has not been reported in the literature in individuals affected with RYR1-related conditions. ClinVar contains an entry for this variant (Variation ID: 2633558). For these reasons, this variant has been classified as Pathogenic.

PreventionGenetics, part of Exact Sciences
Classification: Likely pathogenic for RYR1-related condition. Last evaluated: 2023-03-07. Review status: criteria provided, single submitter. Criteria: ACMG Guidelines, 2015. Collection method: clinical testing. Allele origin: germline.
Comment: The RYR1 c.4343G>A variant is predicted to result in premature protein termination (p.Trp1448*). To our knowledge, this variant has not been reported in the literature or in a large population database, indicating this variant is rare. Nonsense variants in RYR1 are expected to be pathogenic for autosomal recessive RYR1-related disorders. This variant is interpreted as likely pathogenic.

Literature cited by the submitters: PubMed 23919265 (cited by Labcorp Genetics (formerly Invitae), Labcorp); PubMed 25960145 (cited by Labcorp Genetics (formerly Invitae), Labcorp); PubMed 28818389 (cited by Labcorp Genetics (formerly Invitae), Labcorp); PubMed 30611313 (cited by Labcorp Genetics (formerly Invitae), Labcorp).

NM_000540.3(RYR1):c.4343G>A (p.Trp1448Ter)

Gene: RYR1 (ryanodine receptor 1; plus strand). Cytogenetic location: 19q13.2.
Variant type: single nucleotide variant.
Coding change: c.4343G>A on transcript NM_000540.3 (MANE Select); coding-DNA position 4343, G replaced by A.
Protein change: p.Trp1448Ter; replaces tryptophan 1448 with a stop codon.
Molecular consequence: nonsense.
Genome position (GRCh38, 1-based): chr19:38,477,759, G>A. VCF-style: chr19-38477759-G-A. GRCh37 (hg19) VCF-style: chr19-38968399-G-A.
Other names: c.4343G>A, p.Trp1448Ter (NM_001042723.2); short protein forms W1448*.
Identifiers: ClinVar variation 2633558 (VCV002633558.4), dbSNP rs2514177181, ClinGen allele CA405645795.